The following is an entry in ClinVar:

ClinVar aggregate classification (germline): Uncertain significance. Review status: criteria provided, multiple submitters, no conflicts (2 of 4 stars). 5 submissions from 5 submitters: Uncertain significance (2). 3 of the submissions do not count toward it. Last evaluated 2024-11-05.

Conditions:
NBEAL2-related disorder. Also called: NBEAL2-related condition.

Submissions (5):

Blueprint Genetics
Classification: Uncertain significance. Last evaluated: 2024-11-05. Review status: criteria provided, single submitter. Criteria: ACMG Guidelines, 2015. Collection method: clinical testing. Allele origin: germline.

Genetic Services Laboratory, University of Chicago
Classification: Uncertain significance. Last evaluated: 2018-07-12. Review status: criteria provided, single submitter. Criteria: ACMG Guidelines, 2015. Collection method: clinical testing. Allele origin: germline. Affected: no.

PreventionGenetics, part of Exact Sciences
Classification: Likely benign for NBEAL2-related condition. Last evaluated: 2022-04-14. Review status: no assertion criteria provided. Collection method: clinical testing. Allele origin: germline. Not counted in ClinVar's aggregate classification.
Comment: This variant is classified as likely benign based on ACMG/AMP sequence variant interpretation guidelines (Richards et al. 2015 PMID: 25741868, with internal and published modifications).

Clinical Genetics DNA and cytogenetics Diagnostics Lab, Erasmus MC, Erasmus Medical Center
Classification: Uncertain significance. Review status: no assertion criteria provided. Collection method: clinical testing. Allele origin: germline. Affected: yes. Study: VKGL Data-share Consensus. Not counted in ClinVar's aggregate classification.

Laboratory of Diagnostic Genome Analysis, Leiden University Medical Center (LUMC)
Classification: Uncertain significance. Review status: no assertion criteria provided. Collection method: clinical testing. Allele origin: germline. Affected: yes. Study: VKGL Data-share Consensus. Not counted in ClinVar's aggregate classification.

NM_015175.3(NBEAL2):c.4949CAGCTGCAG[2] (p.Ala1656_Ala1658del)

Gene: NBEAL2 (neurobeachin like 2; plus strand). Cytogenetic location: 3p21.31.
Variant type: Microsatellite.
Coding change: c.4949CAGCTGCAG[2] on transcript NM_015175.3 (MANE Select); two copies in a row of the 9-base unit CAGCTGCAG starting at c.4949; the reference has three copies in a row; one copy, 9 bases deleted.
Protein change: p.Ala1656_Ala1658del.
Molecular consequence: inframe deletion.
Genome position (GRCh38, 1-based): chr3:47,002,104-47,002,112, CAGCTGCAG deleted; deleting any 9 consecutive bases within chr3:47,002,085-47,002,112 gives the same sequence; the position shown is the placement nearest the transcript's 3' end. VCF-style (leftmost placement, unchanged base first): chr3-47002084-TGCAGCTGCA-T. GRCh37 (hg19) VCF-style: chr3-47043574-TGCAGCTGCA-T.
Other names: c.4967_4975del9 (NM_015175.2); c.4847CAGCTGCAG[2], p.Ala1622_Ala1624del (NM_001365116.2).
Identifiers: ClinVar variation 1206157 (VCV001206157.9), dbSNP rs535036383, ClinGen allele CA2361397.